The following is an entry in ClinVar:

NM_001042432.2(CLN3):c.538G>A (p.Val180Met)

Gene: CLN3 (CLN3 lysosomal/endosomal transmembrane protein, battenin; minus strand). Cytogenetic location: 16p12.1.
Variant type: single nucleotide variant.
Coding change: c.538G>A on transcript NM_001042432.2 (MANE Select); coding-DNA position 538, G replaced by A.
Protein change: p.Val180Met; replaces valine 180 with methionine.
Molecular consequence: missense variant.
Genome position (GRCh38, 1-based): chr16:28,486,486, C>T on the plus strand (G>A on the coding strand, the complement: CLN3 is on the minus strand). VCF-style: chr16-28486486-C-T. GRCh37 (hg19) VCF-style: chr16-28497807-C-T.
Other names: c.538G>A, p.Val180Met (NM_000086.2); c.466G>A, p.Val156Met (NM_001286104.2); c.238G>A, p.Val80Met (NM_001286105.2); c.304G>A, p.Val102Met (NM_001286109.2); c.376G>A, p.Val126Met (NM_001286110.2); c.538G>A (NM_001042432.1); short protein forms V156M, V180M, V126M, V80M, V102M.
Identifiers: ClinVar variation 1438847 (VCV001438847.6), dbSNP rs202215629, ClinGen allele CA7980883.

ClinVar aggregate classification (germline): Uncertain significance. Review status: criteria provided, multiple submitters, no conflicts (2 of 4 stars). 4 submissions from 4 submitters: Uncertain significance (4). Last evaluated 2025-12-15.

Conditions:
Neuronal ceroid lipofuscinosis. Also called: Neuronal Ceroid Lipofuscinoses. Identifiers: Orphanet 216, Orphanet 79263, MedGen C0027877, MONDO:0016295. Disease mechanism: loss of function.
Neuronal ceroid lipofuscinosis 3 (CLN3). Identifiers: Orphanet 228346, MedGen C0751383, MONDO:0008767, OMIM 204200.
CLN3-related disorder. Also called: CLN3-related condition. Identifiers: MedGen CN382248.

Allele frequency attached by ClinVar (database versions not stated): gnomAD 0.00001 and 0.00003; TOPMed 0.00003; gnomAD exomes 0.00005; ExAC 0.00008; 1000 Genomes Project 30x 0.00016; 1000 Genomes Project 0.00020.
gnomAD v4.1: 81 of 1,612,412 alleles (0.005%); highest among the groups gnomAD compares: Non-Finnish European, 0.0062%; no homozygotes.

Submissions (4):

PreventionGenetics, part of Exact Sciences
Classification: Uncertain significance for CLN3-related condition. Last evaluated: 2025-12-15. Review status: criteria provided, single submitter. Criteria: ACMG Guidelines, 2015. Collection method: clinical testing. Allele origin: germline.
Comment: The CLN3 c.538G>A variant is predicted to result in the amino acid substitution p.Val180Met. To our knowledge, this variant has not been reported in the literature. This variant is reported in 0.010% of alleles in individuals of East Asian descent in gnomAD. At this time, the clinical significance of this variant is uncertain due to the absence of conclusive functional and genetic evidence.

Labcorp Genetics (formerly Invitae), Labcorp
Classification: Uncertain significance for Neuronal ceroid lipofuscinosis. Last evaluated: 2022-10-13. Review status: criteria provided, single submitter. Criteria: Invitae Variant Classification Sherloc (09022015). Collection method: clinical testing. Allele origin: germline.
Comment: This sequence change replaces valine, which is neutral and non-polar, with methionine, which is neutral and non-polar, at codon 180 of the CLN3 protein (p.Val180Met). The frequency data for this variant in the population databases is considered unreliable, as metrics indicate poor data quality at this position in the gnomAD database. This variant has not been reported in the literature in individuals affected with CLN3-related conditions. ClinVar contains an entry for this variant (Variation ID: 1438847). Algorithms developed to predict the effect of missense changes on protein structure and function are either unavailable or do not agree on the potential impact of this missense change (SIFT: "Deleterious"; PolyPhen-2: "Benign"; Align-GVGD: "Class C0"). In summary, the available evidence is currently insufficient to determine the role of this variant in disease. Therefore, it has been classified as a Variant of Uncertain Significance.

Blueprint Genetics
Classification: Uncertain significance. Last evaluated: 2021-11-30. Review status: criteria provided, single submitter. Criteria: ACMG Guidelines, 2015. Collection method: clinical testing. Allele origin: germline.

Fulgent Genetics
Classification: Uncertain significance for Neuronal ceroid lipofuscinosis 3. Last evaluated: 2021-07-28. Review status: criteria provided, single submitter. Criteria: ACMG Guidelines, 2015. Collection method: clinical testing. Allele origin: unknown.